The following is an entry in ClinVar:

ClinVar aggregate classification (germline): Uncertain significance (1 of 4 stars; one submission).

Conditions:
Cardiovascular phenotype. Identifiers: MedGen CN230736.

gnomAD v4.1: 2 of 1,607,550 alleles (0.00012%); highest among the groups gnomAD compares: Non-Finnish European, 0.00017%; no homozygotes.

Submission:

Ambry Genetics
Classification: Uncertain significance for Cardiovascular phenotype. Last evaluated: 2026-04-27. Review status: criteria provided, single submitter. Criteria: Ambry Variant Classification Scheme 2023. Collection method: clinical testing. Allele origin: germline.
Comment: The p.T697R variant (also known as c.2090C>G), located in coding exon 15 of the ABCC9 gene, results from a C to G substitution at nucleotide position 2090. The threonine at codon 697 is replaced by arginine, an amino acid with similar properties. This amino acid position is conserved. In addition, this alteration is predicted to be deleterious by in silico analysis. Based on the available evidence, the clinical significance of this variant remains unclear.

NM_020297.4(ABCC9):c.2090C>G (p.Thr697Arg)

Gene: ABCC9 (ATP binding cassette subfamily C member 9; minus strand). Cytogenetic location: 12p12.1.
Variant type: single nucleotide variant.
Coding change: c.2090C>G on transcript NM_020297.4 (MANE Select); coding-DNA position 2090, C replaced by G.
Protein change: p.Thr697Arg; replaces threonine 697 with arginine.
Molecular consequence: missense variant.
Genome position (GRCh38, 1-based): chr12:21,875,656, G>C on the plus strand (C>G on the coding strand, the complement: ABCC9 is on the minus strand). VCF-style: chr12-21875656-G-C. GRCh37 (hg19) VCF-style: chr12-22028590-G-C.
Other names: c.2090C>G, p.Thr697Arg (NM_001377273.1, NM_005691.4); c.1226C>G, p.Thr409Arg (NM_001377274.1); short protein forms T409R, T697R.
Identifiers: ClinVar variation 4860635 (VCV004860635.1).
Genomic context (GRCh38, chr12:21,875,656, plus strand): 5'-GGAAAACTATGGTTACGGTCATGAACAATTACAAAAATGCATAACAGATAACTCTTACCT[G>C]TTGGAATTCGAATATCTATATTGGATAATGTAGCTAAACCACTGCCCCATGAAAAGTATC-3'
Protein context (NP_064693.2, residues 687-707): TLSNIDIRIP[Thr697Arg]GQLTMIVGQV